The following is an entry in ClinVar:

NM_004380.3(CREBBP):c.2328G>T (p.Met776Ile)

Gene: CREBBP (CREB binding lysine acetyltransferase; minus strand). Cytogenetic location: 16p13.3.
Variant type: single nucleotide variant.
Coding change: c.2328G>T on transcript NM_004380.3 (MANE Select); coding-DNA position 2328, G replaced by T.
Protein change: p.Met776Ile; replaces methionine 776 with isoleucine.
Molecular consequence: missense variant.
Genome position (GRCh38, 1-based): chr16:3,773,886, C>A on the plus strand (G>T on the coding strand, the complement: CREBBP is on the minus strand). VCF-style: chr16-3773886-C-A. GRCh37 (hg19) VCF-style: chr16-3823887-C-A.
Other names: c.2214G>T, p.Met738Ile (NM_001079846.1); short protein forms M738I, M776I.
Identifiers: ClinVar variation 3348681 (VCV003348681.1).

ClinVar aggregate classification (germline): Uncertain significance (0 of 4 stars; one submission).

Conditions:
CREBBP-related disorder. Also called: CREBBP-related condition; CREBBP-related disorders.

gnomAD v4.1: 2 of 1,612,288 alleles (0.00012%); highest among the groups gnomAD compares: Non-Finnish European, 0.00017%; no homozygotes.

Submission:

PreventionGenetics, part of Exact Sciences
Classification: Uncertain significance for CREBBP-related condition. Last evaluated: 2024-01-24. Review status: no assertion criteria provided. Collection method: clinical testing. Allele origin: germline.
Comment: The CREBBP c.2328G>T variant is predicted to result in the amino acid substitution p.Met776Ile. To our knowledge, this variant has not been reported in the literature or in a large population database, indicating this variant is rare. At this time, the clinical significance of this variant is uncertain due to the absence of conclusive functional and genetic evidence.